The following is an entry in ClinVar:

NM_002180.3(IGHMBP2):c.596C>T (p.Ala199Val)

Gene: IGHMBP2 (immunoglobulin mu DNA binding protein 2; plus strand). Cytogenetic location: 11q13.3.
Variant type: single nucleotide variant.
Coding change: c.596C>T on transcript NM_002180.3 (MANE Select); coding-DNA position 596, C replaced by T.
Protein change: p.Ala199Val; replaces alanine 199 with valine.
Molecular consequence: missense variant.
Genome position (GRCh38, 1-based): chr11:68,911,488, C>T. VCF-style: chr11-68911488-C-T. GRCh37 (hg19) VCF-style: chr11-68678956-C-T.
Other names: short protein forms A199V.
Identifiers: ClinVar variation 694854 (VCV000694854.10), dbSNP rs780802298, ClinGen allele CA6153336.

ClinVar aggregate classification (germline): Uncertain significance. Review status: criteria provided, multiple submitters, no conflicts (2 of 4 stars). 5 submissions from 5 submitters: Uncertain significance (4). 1 of the submissions does not count toward it. Last evaluated 2024-10-15.

Conditions:
Charcot-Marie-Tooth disease axonal type 2S. Also called: CHARCOT-MARIE-TOOTH NEUROPATHY, TYPE 2S; CHARCOT-MARIE-TOOTH DISEASE, AXONAL, AUTOSOMAL RECESSIVE, TYPE 2S. Identifiers: Orphanet 443073, MedGen C4015349, MONDO:0014511, OMIM 616155.
Autosomal recessive distal spinal muscular atrophy 1. Also called: SEVERE INFANTILE AXONAL NEUROPATHY WITH RESPIRATORY FAILURE; SPINAL MUSCULAR ATROPHY, DIAPHRAGMATIC; Spinal muscular atrophy with respiratory distress 1; HMN VI; NEURONOPATHY, SEVERE INFANTILE AXONAL, WITH RESPIRATORY FAILURE; NEURONOPATHY, DISTAL HEREDITARY MOTOR, HARDING TYPE VI. Identifiers: Orphanet 98920, MedGen C1858517, MONDO:0011436, OMIM 604320.
Inborn genetic diseases. Identifiers: MedGen C0950123, MeSH D030342.
Charcot-Marie-Tooth disease. Also called: Charcot-Marie-Tooth Neuropathy; Charcot-Marie-Tooth Hereditary Neuropathy. Identifiers: Orphanet 166, MedGen C0007959, MONDO:0015626.

Allele frequency attached by ClinVar (database versions not stated): ExAC 0.00001; gnomAD 0.00001; TOPMed 0.00001; gnomAD exomes 0.00002.
gnomAD v4.1: 30 of 1,613,974 alleles (0.0019%); highest among the groups gnomAD compares: Middle Eastern, 0.016%; no homozygotes.

Submissions (5):

Revvity Omics, Revvity
Classification: Uncertain significance. Last evaluated: 2024-10-15. Review status: criteria provided, single submitter. Criteria: ACMG Guidelines, 2015. Collection method: clinical testing. Allele origin: germline.

Ambry Genetics
Classification: Uncertain significance for Inborn genetic diseases. Last evaluated: 2022-04-14. Review status: criteria provided, single submitter. Criteria: Ambry Variant Classification Scheme 2023. Collection method: clinical testing. Allele origin: germline.

Labcorp Genetics (formerly Invitae), Labcorp
Classification: Uncertain significance for Autosomal recessive distal spinal muscular atrophy 1; Charcot-Marie-Tooth disease axonal type 2S. Last evaluated: 2022-01-23. Review status: criteria provided, single submitter. Criteria: Invitae Variant Classification Sherloc (09022015). Collection method: clinical testing. Allele origin: germline.
Comment: This sequence change replaces alanine, which is neutral and non-polar, with valine, which is neutral and non-polar, at codon 199 of the IGHMBP2 protein (p.Ala199Val). This variant is present in population databases (rs780802298, gnomAD 0.006%). This variant has not been reported in the literature in individuals affected with IGHMBP2-related conditions. ClinVar contains an entry for this variant (Variation ID: 694854). Advanced modeling of protein sequence and biophysical properties (such as structural, functional, and spatial information, amino acid conservation, physicochemical variation, residue mobility, and thermodynamic stability) performed at Invitae indicates that this missense variant is expected to disrupt IGHMBP2 protein function. In summary, the available evidence is currently insufficient to determine the role of this variant in disease. Therefore, it has been classified as a Variant of Uncertain Significance.

Molecular Genetics Laboratory, London Health Sciences Centre
Classification: Uncertain significance for Charcot-Marie-Tooth disease. Review status: criteria provided, single submitter. Criteria: ACMG Guidelines, 2015. Collection method: clinical testing. Allele origin: germline. Affected: yes.

Genesis Genome Database
Classification: Uncertain significance for Charcot-Marie-Tooth disease. Last evaluated: 2019-08-14. Review status: no assertion criteria provided. Collection method: research. Allele origin: germline. Affected: yes. Not counted in ClinVar's aggregate classification.